The following is an entry in ClinVar:

ClinVar aggregate classification (germline): Likely benign. Review status: criteria provided, multiple submitters, no conflicts (2 of 4 stars). 2 submissions from 2 submitters: Likely benign (2). Last evaluated 2025-11-01.

Conditions:
RASopathy. Also called: rasopathies; Noonan spectrum disorder. Identifiers: Orphanet 536391, MedGen C5555857, MONDO:0021060.

gnomAD v4.1: 1 of 1,614,136 alleles (0.000062%); highest among the groups gnomAD compares: Admixed American, 0.0017%; no homozygotes.

Submissions (2):

CeGaT Center for Human Genetics Tuebingen
Classification: Likely benign. Last evaluated: 2025-11-01. Review status: criteria provided, single submitter. Criteria: CeGaT Center For Human Genetics Tuebingen Variant Classification Criteria Version 2. Collection method: clinical testing. Allele origin: germline. Affected: yes. Observed: 1 variant allele.
Comment: CBL: BP4, BP7

Labcorp Genetics (formerly Invitae), Labcorp
Classification: Likely benign for RASopathy. Last evaluated: 2023-10-23. Review status: criteria provided, single submitter. Criteria: Invitae Variant Classification Sherloc (09022015). Collection method: clinical testing. Allele origin: germline.

NM_005188.4(CBL):c.1299G>T (p.Pro433=)

Gene: CBL (Cbl proto-oncogene; plus strand). Cytogenetic location: 11q23.3.
Variant type: single nucleotide variant.
Coding change: c.1299G>T on transcript NM_005188.4 (MANE Select); coding-DNA position 1299, G replaced by T.
Protein change: p.Pro433=; no amino-acid change (proline 433 retained).
Molecular consequence: synonymous variant.
Genome position (GRCh38, 1-based): chr11:119,278,581, G>T. VCF-style: chr11-119278581-G-T. GRCh37 (hg19) VCF-style: chr11-119149291-G-T.
Identifiers: ClinVar variation 2048623 (VCV002048623.10), dbSNP rs199633558, ClinGen allele CA477137698.
Genomic context (GRCh38, chr11:119,278,581, plus strand): 5'-TCAGGGCTGTCCTTTCTGCCGATGTGAAATTAAAGGTACTGAACCCATCGTGGTAGATCC[G>T]TTTGATCCTAGAGGGAGTGGCAGCCTGTTGAGGCAAGGAGCAGAGGGAGCTCCCTCCCCA-3'
Protein context (NP_005179.2, residues 423-443): IKGTEPIVVD[Pro433=]FDPRGSGSLL